The following is an entry in ClinVar:

ClinVar aggregate classification (germline): Uncertain significance. Review status: criteria provided, multiple submitters, no conflicts (2 of 4 stars). 2 submissions from 2 submitters: Uncertain significance (2). Last evaluated 2025-04-09.

Conditions:
Wiedemann-Steiner syndrome (WDSTS). Also called: Growth deficiency and mental retardation with facial dysmorphism. Identifiers: Orphanet 319182, MedGen C1854630, MONDO:0011518, OMIM 605130.

gnomAD v4.1: 4 of 1,596,574 alleles (0.00025%); highest among the groups gnomAD compares: Non-Finnish European, 0.00034%; no homozygotes.

Submissions (2):

Labcorp Genetics (formerly Invitae), Labcorp
Classification: Uncertain significance. Last evaluated: 2025-04-09. Review status: criteria provided, single submitter. Criteria: Invitae Variant Classification Sherloc (09022015). Collection method: clinical testing. Allele origin: germline.
Comment: This sequence change replaces glutamic acid, which is acidic and polar, with lysine, which is basic and polar, at codon 1987 of the KMT2A protein (p.Glu1987Lys). This variant is present in population databases (no rsID available, gnomAD 0.001%). This variant has not been reported in the literature in individuals affected with KMT2A-related conditions. ClinVar contains an entry for this variant (Variation ID: 2663825). An algorithm developed to predict the effect of missense changes on protein structure and function (PolyPhen-2) suggests that this variant is likely to be disruptive. In summary, the available evidence is currently insufficient to determine the role of this variant in disease. Therefore, it has been classified as a Variant of Uncertain Significance.

Laboratory of Medical Genetics, University of Torino
Classification: Uncertain significance for Wiedemann-Steiner syndrome. Review status: criteria provided, single submitter. Criteria: ACMG Guidelines, 2015. Collection method: clinical testing. Allele origin: unknown. Affected: no.

NM_001197104.2(KMT2A):c.5959G>A (p.Glu1987Lys)

Gene: KMT2A (lysine methyltransferase 2A; plus strand). Cytogenetic location: 11q23.3.
Variant type: single nucleotide variant.
Coding change: c.5959G>A on transcript NM_001197104.2 (MANE Select); coding-DNA position 5959, G replaced by A.
Protein change: p.Glu1987Lys; replaces glutamic acid 1987 with lysine.
Molecular consequence: missense variant.
Genome position (GRCh38, 1-based): chr11:118,498,526, G>A. VCF-style: chr11-118498526-G-A. GRCh37 (hg19) VCF-style: chr11-118369241-G-A.
Other names: c.6049G>A, p.Glu2017Lys (NM_001412597.1); c.5950G>A, p.Glu1984Lys (NM_005933.4); short protein forms E1984K, E1987K, E2017K.
Identifiers: ClinVar variation 2663825 (VCV002663825.4), dbSNP rs781805661, ClinGen allele CA382799024.